The following is an entry in ClinVar:

NM_003002.4(SDHD):c.181G>C (p.Ala61Pro)

Gene: SDHD (succinate dehydrogenase complex subunit D; plus strand). Cytogenetic location: 11q23.1.
Variant type: single nucleotide variant.
Coding change: c.181G>C on transcript NM_003002.4 (MANE Select); coding-DNA position 181, G replaced by C.
Protein change: p.Ala61Pro; replaces alanine 61 with proline.
Molecular consequence: missense variant. On other transcripts: non-coding transcript variant (1), intron variant (1).
Genome position (GRCh38, 1-based): chr11:112,088,878, G>C. VCF-style: chr11-112088878-G-C. GRCh37 (hg19) VCF-style: chr11-111959602-G-C.
Other names: c.64G>C, p.Ala22Pro (NM_001276504.2); c.181G>C, p.Ala61Pro (NM_001276506.2); c.169+905G>C (NM_001276503.2); c.181G>C (NM_003002.2); short protein forms A22P, A61P.
Identifiers: ClinVar variation 2948182 (VCV002948182.4), dbSNP rs2498904440, ClinGen allele CA382617173.

ClinVar aggregate classification (germline): Uncertain significance. Review status: criteria provided, multiple submitters, no conflicts (2 of 4 stars). 2 submissions from 2 submitters: Uncertain significance (2). Last evaluated 2025-01-05.

Conditions:
Carney-Stratakis syndrome. Also called: PARAGANGLIOMA AND GASTROINTESTINAL STROMAL TUMOR. Identifiers: Orphanet 97286, MedGen C1847319, MONDO:0011740, OMIM 606864.
Cowden syndrome 3 (CWS3). Identifiers: Orphanet 201, MedGen CN166604, MONDO:0014045.
Pheochromocytoma. Also called: MAX-Related Hereditary Paraganglioma-Pheochromocytoma Syndrome. Identifiers: Orphanet 29072, MedGen C0031511, MONDO:0008233, OMIM 171300, HP:0002666.
Paragangliomas with sensorineural hearing loss. Identifiers: MedGen C1868633.
Hereditary cancer-predisposing syndrome. Also called: Hereditary neoplastic syndrome; Neoplastic Syndromes, Hereditary; Tumor predisposition; Hereditary Cancer Syndrome. Identifiers: Orphanet 140162, MedGen C0027672, MeSH D009386, MONDO:0015356.

Submissions (2):

Ambry Genetics
Classification: Uncertain significance for Hereditary cancer-predisposing syndrome. Last evaluated: 2025-01-05. Review status: criteria provided, single submitter. Criteria: Ambry Variant Classification Scheme 2023. Collection method: clinical testing. Allele origin: germline.
Comment: The p.A61P variant (also known as c.181G>C), located in coding exon 3 of the SDHD gene, results from a G to C substitution at nucleotide position 181. The alanine at codon 61 is replaced by proline, an amino acid with highly similar properties. This amino acid position is conserved. In addition, this alteration is predicted to be deleterious by in silico analysis. Based on the available evidence, the clinical significance of this variant remains unclear.

Labcorp Genetics (formerly Invitae), Labcorp
Classification: Uncertain significance for Carney-Stratakis syndrome; Paragangliomas with sensorineural hearing loss; Pheochromocytoma; Cowden syndrome 3. Last evaluated: 2024-03-02. Review status: criteria provided, single submitter. Criteria: Invitae Variant Classification Sherloc (09022015). Collection method: clinical testing. Allele origin: germline.
Comment: This sequence change replaces alanine, which is neutral and non-polar, with proline, which is neutral and non-polar, at codon 61 of the SDHD protein (p.Ala61Pro). This variant is not present in population databases (gnomAD no frequency). This variant has not been reported in the literature in individuals affected with SDHD-related conditions. Advanced modeling of protein sequence and biophysical properties (such as structural, functional, and spatial information, amino acid conservation, physicochemical variation, residue mobility, and thermodynamic stability) has been performed at Invitae for this missense variant, however the output from this modeling did not meet the statistical confidence thresholds required to predict the impact of this variant on SDHD protein function. In summary, the available evidence is currently insufficient to determine the role of this variant in disease. Therefore, it has been classified as a Variant of Uncertain Significance.